The following is an entry in ClinVar:

NM_001244710.2(GFPT1):c.197_201del (p.Val66fs)

Gene: GFPT1 (glutamine--fructose-6-phosphate transaminase 1; minus strand). Cytogenetic location: 2p13.3.
Variant type: Deletion.
Coding change: c.197_201del on transcript NM_001244710.2 (MANE Select); coding-DNA positions 197 to 201, 5 bases deleted (TTAAG; older notation c.197_201delTTAAG).
Protein change: p.Val66fs; shifts the reading frame from valine 66.
Molecular consequence: frameshift variant.
Genome position (GRCh38, 1-based): chr2:69,370,023-69,370,027, CTTAA deleted on the plus strand (TTAAG on the coding strand, the reverse complement: GFPT1 is on the minus strand); deleting any 5 consecutive bases within chr2:69,370,023-69,370,030 gives the same sequence; the c. name uses the placement nearest the transcript's 3' end. VCF-style (leftmost placement, unchanged base first): chr2-69370022-CCTTAA-C. GRCh37 (hg19) VCF-style: chr2-69597154-CCTTAA-C.
Other names: c.197_201del, p.Val66fs (NM_002056.4); short protein forms V66fs.
Identifiers: ClinVar variation 583230 (VCV000583230.6), dbSNP rs1558773839, ClinGen allele CA891842682.

ClinVar aggregate classification (germline): Pathogenic (1 of 4 stars; one submission).

Conditions:
Congenital myasthenic syndrome 12 (CMS12). Also called: MYASTHENIC SYNDROME, CONGENITAL, WITH TUBULAR AGGREGATES 1; Myasthenia, congenital, 12, with tubular aggregates. Identifiers: Orphanet 353327, Orphanet 590, MedGen C3552335, MONDO:0012518, OMIM 610542.

Submission:

Labcorp Genetics (formerly Invitae), Labcorp
Classification: Pathogenic for Congenital myasthenic syndrome 12. Last evaluated: 2018-06-12. Review status: criteria provided, single submitter. Criteria: Invitae Variant Classification Sherloc (09022015). Collection method: clinical testing. Allele origin: germline.
Comment: This sequence change creates a premature translational stop signal (p.Val66Glyfs*4) in the GFPT1 gene. It is expected to result in an absent or disrupted protein product. This variant is not present in population databases (ExAC no frequency). This variant has not been reported in the literature in individuals with GFPT1-related disease. Loss-of-function variants in GFPT1 are known to be pathogenic (PMID: 23794683). For these reasons, this variant has been classified as Pathogenic.

Literature cited by the submitters: PubMed 23794683.